The following is an entry in ClinVar:

ClinVar aggregate classification (germline): Uncertain significance (1 of 4 stars; one submission).

Allele frequency attached by ClinVar (database versions not stated): gnomAD exomes below 0.00001; TOPMed below 0.00001; gnomAD 0.00001.
gnomAD v4.1: 5 of 1,613,166 alleles (0.00031%); highest among the groups gnomAD compares: Non-Finnish European, 0.00042%; no homozygotes.

Submission:

Labcorp Genetics (formerly Invitae), Labcorp
Classification: Uncertain significance. Last evaluated: 2022-01-28. Review status: criteria provided, single submitter. Criteria: Invitae Variant Classification Sherloc (09022015). Collection method: clinical testing. Allele origin: germline.
Comment: In summary, the available evidence is currently insufficient to determine the role of this variant in disease. Therefore, it has been classified as a Variant of Uncertain Significance. Algorithms developed to predict the effect of missense changes on protein structure and function are either unavailable or do not agree on the potential impact of this missense change (SIFT: "Deleterious"; PolyPhen-2: "Benign"; Align-GVGD: "Class C0"). This variant has not been reported in the literature in individuals affected with C7-related conditions. This variant is not present in population databases (gnomAD no frequency). This sequence change replaces asparagine, which is neutral and polar, with lysine, which is basic and polar, at codon 40 of the C7 protein (p.Asn40Lys).

NM_000587.4(C7):c.120T>A (p.Asn40Lys)

Gene: C7 (complement C7; plus strand). Cytogenetic location: 5p13.1.
Variant type: single nucleotide variant.
Coding change: c.120T>A on transcript NM_000587.4 (MANE Select); coding-DNA position 120, T replaced by A.
Protein change: p.Asn40Lys; replaces asparagine 40 with lysine.
Molecular consequence: missense variant.
Genome position (GRCh38, 1-based): chr5:40,931,121, T>A. VCF-style: chr5-40931121-T-A. GRCh37 (hg19) VCF-style: chr5-40931223-T-A.
Other names: short protein forms N40K.
Identifiers: ClinVar variation 1924282 (VCV001924282.5), dbSNP rs1289974185, ClinGen allele CA359588285.
Genomic context (GRCh38, chr5:40,931,121, plus strand): 5'-CAGTGCCTCCTCTCCAGTCAACTGCCAGTGGGACTTCTATGCCCCTTGGTCAGAATGCAA[T>A]GGCTGTACCAAGACTCAGGTAGGACCATGCAAAACTTTGTATTTGATTATTTATTGCAGA-3'
Protein context (NP_000578.2, residues 30-50): WDFYAPWSEC[Asn40Lys]GCTKTQTRRR